The following is an entry in ClinVar:

ClinVar aggregate classification (germline): Likely pathogenic. Review status: criteria provided, single submitter (1 of 4 stars). 2 submissions from 1 submitter: Likely pathogenic (1). 1 of the submissions does not count toward it. Last evaluated 2018-05-29.

Conditions:
Familial dysautonomia. Also called: FD; HSAN III. Identifiers: Orphanet 1764, MedGen C0013364, MONDO:0009131, OMIM 223900. Disease mechanism: loss of function.

Submissions (2):

Labcorp Genetics (formerly Invitae), Labcorp
Classification: Likely pathogenic. Last evaluated: 2018-05-29. Review status: criteria provided, single submitter. Criteria: Invitae Variant Classification Sherloc (09022015). Collection method: clinical testing. Allele origin: germline.
Comment: This variant is a gross deletion of the genomic region encompassing exons 17-37 of the IKBKAP gene. The 5' boundary is likely confined to intron 16. The 3' end of this event is unknown as it extends through the termination codon beyond the assayed region for this gene and may encompass additional genes. While this deletion is not anticipated to result in nonsense mediated decay, it is expected to create a truncated protein product or disrupt mRNA translation. This variant has not been reported in the literature in individuals with IKBKAP-related disease. The p.Arg696Pro amino acid residue in IKBKAP has been determined to be clinically significant (PMID: 11179008, 11179021, 12116234, 11179021). This suggests that variants that disrupt this residue are likely to be causative of disease. In summary, the currently available evidence indicates that the variant is pathogenic, but additional data are needed to prove that conclusively. Therefore, this variant has been classified as Likely Pathogenic.

Labcorp Genetics (formerly Invitae), Labcorp
Classification: Likely pathogenic for Familial dysautonomia. Last evaluated: 2018-06-05. Review status: flagged submission. Criteria: Invitae Variant Classification Sherloc (09022015). Collection method: clinical testing. Allele origin: germline. Not counted in ClinVar's aggregate classification.
Comment: the same text as in the submission from Labcorp Genetics (formerly Invitae), Labcorp above.
ClinVar note: Reason: This record appears to be redundant with a more recent record from the same submitter.
ClinVar note: Notes: SCV000837267 appears to be redundant with SCV001576845.

Literature cited by the submitters: PubMed 11179008; PubMed 11179021; PubMed 12116234.

NC_000009.12:g.(?_108869115)_(108901681_?)del

Gene: ELP1 (elongator acetyltransferase complex subunit 1; minus strand). Cytogenetic location: 9q31.3.
Variant type: Deletion.
Identifiers: ClinVar variation 583918 (VCV000583918.2).